The following is an entry in ClinVar:

ClinVar aggregate classification (germline): Pathogenic (1 of 4 stars; one submission).

Conditions:
Dias-Logan syndrome. Also called: INTELLECTUAL DEVELOPMENTAL DISORDER WITH HEREDITARY PERSISTENCE OF FETAL HEMOGLOBIN; Intellectual developmental disorder with persistence of fetal hemoglobin. Identifiers: Orphanet 619233, MedGen C4310833, MONDO:0014914, OMIM 617101.

Submission:

Institute of Human Genetics, Heidelberg University
Classification: Pathogenic for Dias-Logan syndrome. Last evaluated: 2026-05-27. Review status: criteria provided, single submitter. Criteria: ACMG Guidelines, 2015. Collection method: clinical testing. Allele origin: de novo. Affected: yes. Observed: 1 variant allele.
Comment: PVS1; PM2_supp, PS2_supp

NM_022893.4(BCL11A):c.264del (p.Pro89fs)

Gene: BCL11A (BCL11 transcription factor A; minus strand). Cytogenetic location: 2p16.1.
Variant type: Deletion.
Coding change: c.264del on transcript NM_022893.4 (MANE Select); coding-DNA position 264, one base deleted (A; older notation c.264delA).
Protein change: p.Pro89fs; shifts the reading frame from proline 89.
Molecular consequence: frameshift variant. On other transcripts: 5 prime UTR variant (7).
Genome position (GRCh38, 1-based): chr2:60,546,092, T deleted on the plus strand (A on the coding strand, the reverse complement: BCL11A is on the minus strand). VCF-style (leftmost placement, unchanged base first): chr2-60546091-GT-G. GRCh37 (hg19) VCF-style: chr2-60773226-GT-G.
Other names: c.108del, p.Pro37fs (NM_001405716.1, NM_001405717.1, NM_001405718.1 and 10 more transcripts); c.264del, p.Pro89fs (NM_001405719.1, NM_001405730.1, NM_001405732.1 and 10 more transcripts); c.-162del (NM_001405720.1, NM_001405721.1); c.-412del (NM_001405725.1, NM_001405726.1, NM_001405731.1); c.-269del (NM_001405727.1, NM_001405728.1); short protein forms P37fs, P89fs.
Identifiers: ClinVar variation 4853831 (VCV004853831.1).